The following is an entry in ClinVar:

ClinVar aggregate classification (germline): Pathogenic (1 of 4 stars; one submission).

Conditions:
Familial cancer of breast. Also called: Hereditary breast cancer; hereditary breast carcinoma; BREAST CANCER, FAMILIAL. Identifiers: Orphanet 227535, MedGen C0346153, MONDO:0016419, OMIM 114480. Disease mechanism: loss of function.

Submission:

Labcorp Genetics (formerly Invitae), Labcorp
Classification: Pathogenic for Familial cancer of breast. Last evaluated: 2026-01-28. Review status: criteria provided, single submitter. Criteria: Invitae Variant Classification Sherloc (09022015). Collection method: clinical testing. Allele origin: germline.
Comment: This sequence change creates a premature translational stop signal (p.Gln559Serfs*19) in the PALB2 gene. It is expected to result in an absent or disrupted protein product. Loss-of-function variants in PALB2 are known to be pathogenic (PMID: 17200668, 17200671, 17200672, 24136930, 25099575). This variant is not present in population databases (gnomAD no frequency). This premature translational stop signal has been observed in individual(s) with breast cancer (PMID: 30947698). For these reasons, this variant has been classified as Pathogenic.

Literature cited by the submitters: PubMed 17200668; PubMed 17200671; PubMed 17200672; PubMed 24136930; PubMed 25099575; PubMed 30947698.

NM_024675.4(PALB2):c.1674dup (p.Gln559fs)

Gene: PALB2 (partner and localizer of BRCA2; minus strand). Cytogenetic location: 16p12.2.
Variant type: Duplication.
Coding change: c.1674dup on transcript NM_024675.4 (MANE Select); coding-DNA position 1674, one base duplicated (T; older notation c.1674dupT).
Protein change: p.Gln559fs; shifts the reading frame from glutamine 559.
Molecular consequence: frameshift variant. On other transcripts: intron variant (3).
Genome position (GRCh38, 1-based): chr16:23,634,872, A duplicated on the plus strand (T on the coding strand, the reverse complement: PALB2 is on the minus strand); the first of 2 consecutive A bases (chr16:23,634,872-23,634,873); duplicating either gives the same sequence. VCF-style (leftmost placement, unchanged base first): chr16-23634871-G-GA. GRCh37 (hg19) VCF-style: chr16-23646192-G-GA.
Other names: c.1614dup, p.Gln539fs (NM_001407296.1); c.1674dup, p.Gln559fs (NM_001407297.1, NM_001407298.1, NM_001407299.1 and 3 more transcripts); c.789dup, p.Gln264fs (NM_001407304.1, NM_001407305.1, NM_001407306.1 and 5 more transcripts); c.49-5597dup (NM_001407314.1); c.-104-4403dup (NM_001407313.1, NM_001407312.1); short protein forms Q559fs, Q264fs, Q539fs.
Identifiers: ClinVar variation 4751058 (VCV004751058.1).